The following is an entry in ClinVar:

ClinVar aggregate classification (germline): Uncertain significance (1 of 4 stars; one submission).

Allele frequency attached by ClinVar (database versions not stated): TOPMed below 0.00001.
gnomAD v4.1: 20 of 1,613,826 alleles (0.0012%); highest among the groups gnomAD compares: Non-Finnish European, 0.0017%; no homozygotes.

Submission:

Labcorp Genetics (formerly Invitae), Labcorp
Classification: Uncertain significance. Last evaluated: 2022-08-16. Review status: criteria provided, single submitter. Criteria: Invitae Variant Classification Sherloc (09022015). Collection method: clinical testing. Allele origin: germline.
Comment: This sequence change replaces alanine, which is neutral and non-polar, with glutamic acid, which is acidic and polar, at codon 492 of the GTPBP3 protein (p.Ala492Glu). This variant is present in population databases (rs766123154, gnomAD 0.0009%). This variant has not been reported in the literature in individuals affected with GTPBP3-related conditions. Algorithms developed to predict the effect of missense changes on protein structure and function output the following: SIFT: "Tolerated"; PolyPhen-2: "Benign"; Align-GVGD: "Class C0". The glutamic acid amino acid residue is found in multiple mammalian species, which suggests that this missense change does not adversely affect protein function. In summary, the available evidence is currently insufficient to determine the role of this variant in disease. Therefore, it has been classified as a Variant of Uncertain Significance.

NM_032620.4(GTPBP3):c.1379C>A (p.Ala460Glu)

Gene: GTPBP3 (GTP binding protein 3, mitochondrial; plus strand). Cytogenetic location: 19p13.11.
Variant type: single nucleotide variant.
Coding change: c.1379C>A on transcript NM_032620.4 (MANE Select); coding-DNA position 1379, C replaced by A.
Protein change: p.Ala460Glu; replaces alanine 460 with glutamic acid.
Molecular consequence: missense variant.
Genome position (GRCh38, 1-based): chr19:17,341,603, C>A. VCF-style: chr19-17341603-C-A. GRCh37 (hg19) VCF-style: chr19-17452412-C-A.
Other names: c.1316C>A, p.Ala439Glu (NM_001128855.3); c.1445C>A, p.Ala482Glu (NM_001195422.1); c.1475C>A, p.Ala492Glu (NM_133644.4); short protein forms A482E, A492E, A439E, A460E.
Identifiers: ClinVar variation 2176398 (VCV002176398.1), dbSNP rs766123154, ClinGen allele CA9293721.
Genomic context (GRCh38, chr19:17,341,603, plus strand): 5'-GTTGCCTGGATGCCCTCGGCCACTACAAGCAGTCAAAAGACCTGGCCCTGGCGGCAGAGG[C>A]GCTGCGGGTGGCCCGGGGTCACCTGACCCGGCTCACAGGTGGAGGGGGTACCGAGGAGAT-3'
Protein context (NP_116009.2, residues 450-470): QSKDLALAAE[Ala460Glu]LRVARGHLTR